The following is an entry in ClinVar:

ClinVar aggregate classification (germline): Uncertain significance (1 of 4 stars; one submission).

Conditions:
Hereditary cancer-predisposing syndrome. Also called: Hereditary Cancer Syndrome; Hereditary neoplastic syndrome; Neoplastic Syndromes, Hereditary; Tumor predisposition. Identifiers: Orphanet 140162, MedGen C0027672, MeSH D009386, MONDO:0015356.

Allele frequency attached by ClinVar (database versions not stated): TOPMed below 0.00001.

Submission:

Ambry Genetics
Classification: Uncertain significance for Hereditary cancer-predisposing syndrome. Last evaluated: 2025-01-08. Review status: criteria provided, single submitter. Criteria: Ambry Variant Classification Scheme 2023. Collection method: clinical testing. Allele origin: germline.
Comment: The c.457+4A>G intronic variant results from an A to G substitution 4 nucleotides after coding exon 2 in the MSH6 gene. This nucleotide position is highly conserved in available vertebrate species. In silico splice site analysis predicts that this alteration will not have any significant effect on splicing. Based on the available evidence, the clinical significance of this variant remains unclear.

NM_000179.3(MSH6):c.457+4A>G

Gene: MSH6 (mutS homolog 6; plus strand). Cytogenetic location: 2p16.3.
Variant type: single nucleotide variant.
Coding change: c.457+4A>G on transcript NM_000179.3 (MANE Select); 4 bases into the intron after coding-DNA position 457, A replaced by G.
Molecular consequence: intron variant. On other transcripts: missense variant (1).
Genome position (GRCh38, 1-based): chr2:47,791,127, A>G. VCF-style: chr2-47791127-A-G. GRCh37 (hg19) VCF-style: chr2-48018266-A-G.
Other names: c.461A>G, p.Lys154Arg (NM_001406813.1); c.-280+4A>G (NM_001281493.2); c.238-7484A>G (NM_001281492.2); c.-446+4A>G (NM_001281494.2); short protein forms K154R.
Identifiers: ClinVar variation 1741569 (VCV001741569.3), dbSNP rs1668704294, ClinGen allele CA2496043324.
Genomic context (GRCh38, chr2:47,791,127, plus strand): 5'-TTGATGACAGCCCAACAAGGGGCTGGGTTAGCAAAAGGCTTTTAAAGCCATATACAGGTA[A>G]GAGTCACTACTGCCATGTGTGTGTGTTTGTGTGTGTGTGTGTGTGTGTGAGAGAAACAGA-3'